The following is an entry in ClinVar:

ClinVar aggregate classification (germline): Uncertain significance (1 of 4 stars; one submission).

Allele frequency attached by ClinVar (database versions not stated): ExAC 0.00001.
gnomAD v4.1: 7 of 1,603,486 alleles (0.00044%); highest among the groups gnomAD compares: African/African-American, 0.0054%; no homozygotes.

Submission:

Ambry Genetics
Classification: Uncertain significance. Last evaluated: 2025-12-09. Review status: criteria provided, single submitter. Criteria: Ambry Variant Classification Scheme 2023. Collection method: clinical testing. Allele origin: germline.
Comment: The p.P165R variant (also known as c.494C>G), located in coding exon 1 of the EGLN1 gene, results from a C to G substitution at nucleotide position 494. The proline at codon 165 is replaced by arginine, an amino acid with dissimilar properties. This amino acid position is conserved. In addition, this alteration is predicted to be tolerated by in silico analysis. Since supporting evidence is limited at this time, the clinical significance of this alteration remains unclear.

NM_022051.3(EGLN1):c.494C>G (p.Pro165Arg)

Gene: EGLN1 (egl-9 family hypoxia inducible factor 1; minus strand). Cytogenetic location: 1q42.2.
Variant type: single nucleotide variant.
Coding change: c.494C>G on transcript NM_022051.3 (MANE Select); coding-DNA position 494, C replaced by G.
Protein change: p.Pro165Arg; replaces proline 165 with arginine.
Molecular consequence: missense variant.
Genome position (GRCh38, 1-based): chr1:231,421,395, G>C on the plus strand (C>G on the coding strand, the complement: EGLN1 is on the minus strand). VCF-style: chr1-231421395-G-C. GRCh37 (hg19) VCF-style: chr1-231557141-G-C.
Other names: c.494C>G, p.Pro165Arg (NM_001377260.1, NM_001377261.1); short protein forms P165R.
Identifiers: ClinVar variation 1744314 (VCV001744314.3), dbSNP rs780171999, ClinGen allele CA1453165.